The following is an entry in ClinVar:

NM_000492.4(CFTR):c.11C>A (p.Ser4Ter)

Gene: CFTR (CF transmembrane conductance regulator; plus strand). Cytogenetic location: 7q31.2.
Variant type: single nucleotide variant.
Coding change: c.11C>A on transcript NM_000492.4 (MANE Select); coding-DNA position 11, C replaced by A.
Protein change: p.Ser4Ter; replaces serine 4 with a stop codon.
Molecular consequence: nonsense.
Genome position (GRCh38, 1-based): chr7:117,480,105, C>A. VCF-style: chr7-117480105-C-A. GRCh37 (hg19) VCF-style: chr7-117120159-C-A.
Other names: short protein forms S4*.
Identifiers: ClinVar variation 53211 (VCV000053211.22), dbSNP rs397508173, ClinGen allele CA326431.

ClinVar aggregate classification (germline): Pathogenic. Review status: reviewed by expert panel (3 of 4 stars). 12 submissions from 12 submitters: Pathogenic (1). 11 of the submissions do not count toward it. Last evaluated 2017-03-17.

Conditions:
CFTR-related disorder (CFTR-RD). Also called: CFTR-related condition; CFTR-related disorders. Identifiers: MedGen C5924204, MONDO:7770004.
Bronchiectasis with or without elevated sweat chloride 1 (BESC1). Also called: Cystic Fibrosis-Like Syndrome. Identifiers: Orphanet 60033, MedGen C2749757, MONDO:0008887, OMIM 211400.
Cystic fibrosis (CF). Also called: MUCOVISCIDOSIS. Identifiers: Orphanet 586, MedGen C0010674, MONDO:0009061, OMIM 219700. Disease mechanism: loss of function.

Allele frequency attached by ClinVar (database versions not stated): TOPMed 0.00001.

Submissions (12):

CFTR2
Classification: Pathogenic for Cystic fibrosis. Last evaluated: 2017-03-17. Review status: reviewed by expert panel. Criteria: Sosnay PR et al. (Nat Genet 2013). Collection method: research. Allele origin: germline. Affected: yes. Study: CFTR2.

Natera, Inc.
Classification: Pathogenic for CFTR-related disorders. Last evaluated: 2025-12-23. Review status: criteria provided, single submitter. Criteria: Natera Variant Classification Schema (03/2026). Collection method: clinical testing. Allele origin: germline. Not counted in ClinVar's aggregate classification.
Comment: The c.11C>A variant in CFTR is a nonsense variant predicted to introduce a stop codon at amino acid 4. This variant is expected to result in nonsense mediated decay, truncation, or a dysfunctional protein product. This variant is rare in the general population with a frequency below the threshold expected for the associated phenotype(s). This variant has been observed in one or more individuals affected with the associated recessive disease, as either homozygous or compound heterozygous with a second variant (PMID: 9254864). Given the available evidence, this variant is classified as Pathogenic.

Labcorp Genetics (formerly Invitae), Labcorp
Classification: Pathogenic for Cystic fibrosis. Last evaluated: 2025-12-18. Review status: criteria provided, single submitter. Criteria: Invitae Variant Classification Sherloc (09022015). Collection method: clinical testing. Allele origin: germline. Not counted in ClinVar's aggregate classification.
Comment: This sequence change creates a premature translational stop signal (p.Ser4*) in the CFTR gene. It is expected to result in an absent or disrupted protein product. Loss-of-function variants in CFTR are known to be pathogenic (PMID: 1695717, 7691345, 9725922). This variant is present in population databases (rs397508173, gnomAD 0.007%). This premature translational stop signal has been observed in individual(s) with cystic fibrosis (PMID: 7684643, 25176415). In at least one individual the data is consistent with being in trans (on the opposite chromosome) from a pathogenic variant. ClinVar contains an entry for this variant (Variation ID: 53211). For these reasons, this variant has been classified as Pathogenic.

Dasa
Classification: Pathogenic. Last evaluated: 2025-09-03. Review status: criteria provided, single submitter. Criteria: DASA Assertion Criteria. Collection method: clinical testing. Allele origin: germline. Not counted in ClinVar's aggregate classification.
Comment: NM_000492.4(CFTR):c.11C>A (p.Ser4*) introduces a premature termination codon predicted to result in loss of normal protein function. Loss-of-function is an established mechanism of disease for this gene. This variant has been recurrently observed in individuals with related phenotype (PMID: 7684643; PMID: 25176415). The variant is present at low frequency in population datasets. Based on the available data, this variant is classified as pathogenic.

Ambry Genetics
Classification: Pathogenic for Cystic fibrosis. Last evaluated: 2025-03-14. Review status: criteria provided, single submitter. Criteria: Ambry Variant Classification Scheme 2023. Collection method: clinical testing. Allele origin: germline. Not counted in ClinVar's aggregate classification.
Comment: The p.S4* pathogenic mutation (also known as c.11C>A), located in coding exon 1 of the CFTR gene, results from a C to A substitution at nucleotide position 11. This changes the amino acid from a serine to a stop codon within coding exon 1. This alteration has been described in trans with other CFTR alterations in multiple individuals with pancreatic insufficiency, elevated sweat chloride levels, gastrointestinal symptoms, and pulmonary disease (Glavac D et al. Hum Mol Genet 1993 Mar;2(3):315-6 and , Desgeorges M et al. Hum. Genet. 1997; 100:279-83). A further study determined that this variant accounted for 7% of Lebanese CF alleles (Farra C et al. J. Cyst. Fibros. 2010; 9:406-10). Of note, this alteration is also known as c.143C>A in published literature. In addition to the clinical data presented in the literature, this alteration is expected to result in loss of function by premature protein truncation or nonsense-mediated mRNA decay. As such, this alteration is interpreted as a disease-causing mutation.

Baylor Genetics
Classification: Pathogenic for Bronchiectasis with or without elevated sweat chloride 1. Last evaluated: 2024-01-13. Review status: criteria provided, single submitter. Criteria: ACMG Guidelines, 2015. Collection method: clinical testing. Allele origin: unknown. Not counted in ClinVar's aggregate classification.

Johns Hopkins Genomics, Johns Hopkins University
Classification: Pathogenic for Cystic fibrosis. Last evaluated: 2019-10-16. Review status: criteria provided, single submitter. Criteria: ACMG Guidelines, 2015. Collection method: clinical testing. Allele origin: germline. Not counted in ClinVar's aggregate classification.
Comment: Disease-causing CFTR variant. See CFTR2 for phenotype information.

Mendelics
Classification: Pathogenic for Cystic fibrosis. Last evaluated: 2018-11-05. Review status: criteria provided, single submitter. Criteria: Mendelics Assertion Criteria 2017. Collection method: clinical testing. Allele origin: unknown. Affected: yes. Not counted in ClinVar's aggregate classification.

Women's Health and Genetics/Laboratory Corporation of America, LabCorp
Classification: Pathogenic. Last evaluated: 2018-07-23. Review status: criteria provided, single submitter. Criteria: LabCorp Variant Classification Summary - May 2015. Collection method: clinical testing. Allele origin: germline. Not counted in ClinVar's aggregate classification.
Comment: Variant summary: CFTR c.11C>A (p.Ser4X) results in a premature termination codon, predicted to cause a truncation of the encoded protein or absence of the protein due to nonsense mediated decay, which are commonly known mechanisms for disease. The variant was absent in 120812 control chromosomes (ExAC). c.11C>A has been reported in the literature in multiple individuals affected with Cystic Fibrosis (Cabello_2005, D'Apice_2004, Desgeorges_1997, Faria_2016). These data indicate that the variant is very likely to be associated with disease. One clinical diagnostic laboratory has submitted clinical-significance assessments for this variant to ClinVar after 2014 without evidence for independent evaluation, and classified the variant as pathogenic. Based on the evidence outlined above, the variant was classified as pathogenic.

CFTR-France
Classification: Pathogenic for cystic fibrosis. Last evaluated: 2018-01-29. Review status: criteria provided, single submitter. Criteria: Claustres M et al. (Hum Mutat 2017). Collection method: curation. Allele origin: germline. Affected: yes. Not counted in ClinVar's aggregate classification.

Counsyl
Classification: Pathogenic for Cystic fibrosis. Last evaluated: 2018-05-01. Review status: no assertion criteria provided. Collection method: clinical testing. Allele origin: unknown. Not counted in ClinVar's aggregate classification.

Clinical Molecular Genetics Laboratory, Johns Hopkins All Children's Hospital
Classification: Pathogenic for Cystic fibrosis. Last evaluated: 2017-08-11. Review status: no assertion criteria provided. Collection method: clinical testing. Allele origin: germline. Affected: yes. Not counted in ClinVar's aggregate classification.

Literature cited by the submitters: PubMed 9254864 (cited by 4 submitters); PubMed 1695717 (cited by Labcorp Genetics (formerly Invitae), Labcorp); PubMed 7691345 (cited by Labcorp Genetics (formerly Invitae), Labcorp); PubMed 9725922 (cited by Labcorp Genetics (formerly Invitae), Labcorp); PubMed 7684643 (cited by 3 submitters); PubMed 25176415 (cited by Labcorp Genetics (formerly Invitae), Labcorp and Dasa); PubMed 20797923 (cited by Ambry Genetics); PubMed 16837565 (cited by Women's Health and Genetics/Laboratory Corporation of America, LabCorp); PubMed 15084222 (cited by Women's Health and Genetics/Laboratory Corporation of America, LabCorp); PubMed 7691352 (cited by Counsyl).